The following is an entry in ClinVar:

ClinVar aggregate classification (germline): Conflicting classifications of pathogenicity. Review status: criteria provided, conflicting classifications (1 of 4 stars). 2 submissions from 2 submitters: Likely pathogenic (1); Uncertain significance (1). Last evaluated 2022-12-26.

Conditions:
Mucopolysaccharidosis type 6 (MPS6). Also called: N-ACETYLGALACTOSAMINE-4-SULFATASE DEFICIENCY; MPS VI; MPS 6; Maroteaux Lamy syndrome; ARSB DEFICIENCY; ARYLSULFATASE B DEFICIENCY. Identifiers: Orphanet 583, MedGen C0026709, MONDO:0009661, OMIM 253200.

Allele frequency attached by ClinVar (database versions not stated): gnomAD 0.00001; TOPMed 0.00001.
gnomAD v4.1: 3 of 1,613,956 alleles (0.00019%); highest among the groups gnomAD compares: Non-Finnish European, 0.00025%; no homozygotes.

Submissions (2):

Baylor Genetics
Classification: Likely pathogenic for Mucopolysaccharidosis type 6. Last evaluated: 2022-12-26. Review status: criteria provided, single submitter. Criteria: ACMG Guidelines, 2015. Collection method: clinical testing. Allele origin: unknown.

Laboratory of Diagnosis and Therapy of Lysosomal Disorders, University of Padova
Classification: Uncertain significance for Mucopolysaccharidosis type 6. Last evaluated: 2018-01-01. Review status: criteria provided, single submitter. Criteria: ACMG Guidelines, 2015. Collection method: curation. Allele origin: germline. Affected: yes.
Comment: Absent from GnomAD (PM2)

Literature cited by the submitters: PubMed 17458871 (cited by Laboratory of Diagnosis and Therapy of Lysosomal Disorders, University of Padova); PubMed 30118150 (cited by Laboratory of Diagnosis and Therapy of Lysosomal Disorders, University of Padova).

NM_000046.5(ARSB):c.1340G>C (p.Cys447Ser)

Gene: ARSB (arylsulfatase B; minus strand). Cytogenetic location: 5q14.1.
Variant type: single nucleotide variant.
Coding change: c.1340G>C on transcript NM_000046.5 (MANE Select); coding-DNA position 1340, G replaced by C.
Protein change: p.Cys447Ser; replaces cysteine 447 with serine.
Molecular consequence: missense variant.
Genome position (GRCh38, 1-based): chr5:78,780,659, C>G on the plus strand (G>C on the coding strand, the complement: ARSB is on the minus strand). VCF-style: chr5-78780659-C-G. GRCh37 (hg19) VCF-style: chr5-78076482-C-G.
Other names: short protein forms C447S.
Identifiers: ClinVar variation 559705 (VCV000559705.2), dbSNP rs1465993279, ClinGen allele CA360339324.